The following is an entry in ClinVar:

ClinVar aggregate classification (germline): Uncertain significance (1 of 4 stars; one submission).

Conditions:
BBS12-related disorder. Also called: BBS12-related condition.

gnomAD v4.1: 1 of 1,614,092 alleles (0.000062%); highest among the groups gnomAD compares: Admixed American, 0.0017%; no homozygotes.

Submission:

PreventionGenetics, part of Exact Sciences
Classification: Uncertain significance for BBS12-related condition. Last evaluated: 2025-06-01. Review status: criteria provided, single submitter. Criteria: ACMG Guidelines, 2015. Collection method: clinical testing. Allele origin: germline.
Comment: The BBS12 c.487G>A variant is predicted to result in the amino acid substitution p.Val163Ile. To our knowledge, this variant has not been reported in the literature. This variant is reported in 0.00088% of alleles in individuals of European (Non-Finnish) descent in gnomAD. At this time, the clinical significance of this variant is uncertain due to the absence of conclusive functional and genetic evidence.

NM_152618.3(BBS12):c.487G>A (p.Val163Ile)

Gene: BBS12 (Bardet-Biedl syndrome 12; plus strand). Cytogenetic location: 4q27.
Variant type: single nucleotide variant.
Coding change: c.487G>A on transcript NM_152618.3 (MANE Select); coding-DNA position 487, G replaced by A.
Protein change: p.Val163Ile; replaces valine 163 with isoleucine.
Molecular consequence: missense variant.
Genome position (GRCh38, 1-based): chr4:122,742,379, G>A. VCF-style: chr4-122742379-G-A. GRCh37 (hg19) VCF-style: chr4-123663534-G-A.
Other names: c.487G>A, p.Val163Ile (NM_001178007.2); short protein forms V163I.
Identifiers: ClinVar variation 4986851 (VCV004986851.1).